The following is an entry in ClinVar:

NM_000038.6(APC):c.1635_1636delinsAT (p.Ser546Cys)

Gene: APC (APC regulator of Wnt signaling pathway; plus strand). Cytogenetic location: 5q22.2.
Variant type: Indel.
Coding change: c.1635_1636delinsAT on transcript NM_000038.6 (MANE Select); coding-DNA positions 1635 to 1636, GA replaced by AT.
Protein change: p.Ser546Cys; replaces serine 546 with cysteine.
Molecular consequence: missense variant.
Genome position (GRCh38, 1-based): chr5:112,828,864-112,828,865, GA replaced by AT. VCF-style: chr5-112828864-GA-AT. GRCh37 (hg19) VCF-style: chr5-112164561-GA-AT.
Other names: c.1635_1636delinsAT, p.Ser546Cys (NM_001127510.3, NM_001354895.2); c.1581_1582delinsAT, p.Ser528Cys (NM_001127511.3); c.1689_1690delinsAT, p.Ser564Cys (NM_001354896.2); c.1665_1666delinsAT, p.Ser556Cys (NM_001354897.2); c.1560_1561delinsAT, p.Ser521Cys (NM_001354898.2); c.1551_1552delinsAT, p.Ser518Cys (NM_001354899.2); c.1512_1513delinsAT, p.Ser505Cys (NM_001354900.2); c.1458_1459delinsAT, p.Ser487Cys (NM_001354901.2); and 16 more; short protein forms S162C, S445C, S455C, S487C, S521C, S556C, S518C, S574C.
Identifiers: ClinVar variation 2013889 (VCV002013889.4), dbSNP rs2533241012, ClinGen allele CA2580072447.
Genomic context (GRCh38, chr5:112,828,864, plus strand): 5'-GCAACTAGTATGATTTTATGTATAAATTAATCTAAAATTGATTAATTTGCAGGTTATTGC[GA>AT]GTGTTTTGAGGAATTTGTCTTGGCGAGCAGATGTAAATAGTAAAAAGACGTTGCGAGAAG-3'
Protein context (NP_000029.2, residues 536-556): ESEDLQQVIA[Ser546Cys]VLRNLSWRAD

ClinVar aggregate classification (germline): Uncertain significance (1 of 4 stars; one submission).

Conditions:
Familial adenomatous polyposis 1 (FAP1). Also called: FAMILIAL ADENOMATOUS POLYPOSIS 1, ATTENUATED; POLYPOSIS, ADENOMATOUS INTESTINAL. Identifiers: MedGen C2713442, MONDO:0021056, OMIM 175100. Disease mechanism: loss of function.

Submission:

Labcorp Genetics (formerly Invitae), Labcorp
Classification: Uncertain significance for Familial adenomatous polyposis 1. Last evaluated: 2022-07-04. Review status: criteria provided, single submitter. Criteria: Invitae Variant Classification Sherloc (09022015). Collection method: clinical testing. Allele origin: germline.
Comment: In summary, the available evidence is currently insufficient to determine the role of this variant in disease. Therefore, it has been classified as a Variant of Uncertain Significance. Experimental studies and prediction algorithms are not available or were not evaluated, and the functional significance of this variant is currently unknown. This sequence change replaces serine, which is neutral and polar, with cysteine, which is neutral and slightly polar, at codon 546 of the APC protein (p.Ser546Cys). Information on the frequency of this variant in the gnomAD database is not available, as this variant may be reported differently in the database. This variant has not been reported in the literature in individuals affected with APC-related conditions.